The following is an entry in ClinVar:

ClinVar aggregate classification (germline): Pathogenic (1 of 4 stars; one submission).

Conditions:
Dilated cardiomyopathy 1CC (CMD1CC). Identifiers: Orphanet 154, MedGen C2751084, MONDO:0013147, OMIM 613122.
Hypertrophic cardiomyopathy 20. Identifiers: MedGen C3151267, MONDO:0013477, OMIM 613876.

Submission:

Labcorp Genetics (formerly Invitae), Labcorp
Classification: Pathogenic for Dilated cardiomyopathy 1CC; Hypertrophic cardiomyopathy 20. Last evaluated: 2026-01-15. Review status: criteria provided, single submitter. Criteria: Invitae Variant Classification Sherloc (09022015). Collection method: clinical testing. Allele origin: germline.
Comment: This sequence change creates a premature translational stop signal (p.Met513Tyrfs*4) in the NEXN gene. It is expected to result in an absent or disrupted protein product. Loss-of-function variants in NEXN are known to be pathogenic (PMID: 19881492, 32058062, 32814711, 32870709, 33949776, 38059363, 40680702). This variant is not present in population databases (gnomAD no frequency). This variant has not been reported in the literature in individuals affected with NEXN-related conditions. ClinVar contains an entry for this variant (Variation ID: 2947595). For these reasons, this variant has been classified as Pathogenic.

Literature cited by the submitters: PubMed 19881492; PubMed 32058062; PubMed 32814711; PubMed 32870709; PubMed 33949776; PubMed 38059363; PubMed 40680702.

NM_144573.4(NEXN):c.1536dup (p.Met513fs)

Gene: NEXN (nexilin F-actin binding protein; plus strand). Cytogenetic location: 1p31.1.
Variant type: Duplication.
Coding change: c.1536dup on transcript NM_144573.4 (MANE Select); coding-DNA position 1536, one base duplicated (T; older notation c.1536dupT).
Protein change: p.Met513fs; shifts the reading frame from methionine 513.
Molecular consequence: frameshift variant.
Genome position (GRCh38, 1-based): chr1:77,942,085, T duplicated. VCF-style (leftmost placement, unchanged base first): chr1-77942084-A-AT. GRCh37 (hg19) VCF-style: chr1-78407769-A-AT.
Other names: c.1344dup, p.Met449fs (NM_001172309.2); short protein forms M513fs, M449fs.
Identifiers: ClinVar variation 2947595 (VCV002947595.3), dbSNP rs2523301824, ClinGen allele CA2740090787.
Genomic context (GRCh38, chr1:77,942,084, plus strand): 5'-AAGATGATGTTGATGTTAGGCCTGCAAGAAAAAGCGAGGCTCCATTTACTCACAAAGTGA[A>AT]TATGAAAGCTAGATTTGAACAAATGGCTAAGGCAAGAGAAGAAGAAGAACAAAGAAGAAT-3'